The following is an entry in ClinVar:

ClinVar aggregate classification (germline): Uncertain significance (1 of 4 stars; one submission).

Conditions:
Progressive sclerosing poliodystrophy (MTDPS4A). Also called: NEURONAL DEGENERATION OF CHILDHOOD WITH LIVER DISEASE, PROGRESSIVE; Alpers Syndrome; ALPERS DIFFUSE DEGENERATION OF CEREBRAL GRAY MATTER WITH HEPATIC CIRRHOSIS; Alpers-Huttenlocher Syndrome; Mitochondrial DNA Depletion Syndrome 4A; Alpers-Huttenlocher Syndrome (AHS). Identifiers: Orphanet 726, MedGen C0205710, MONDO:0008758, OMIM 203700.

Allele frequency attached by ClinVar (database versions not stated): TOPMed below 0.00001.

Submission:

Labcorp Genetics (formerly Invitae), Labcorp
Classification: Uncertain significance for Progressive sclerosing poliodystrophy. Last evaluated: 2022-10-23. Review status: criteria provided, single submitter. Criteria: Invitae Variant Classification Sherloc (09022015). Collection method: clinical testing. Allele origin: germline.
Comment: This sequence change replaces proline, which is neutral and non-polar, with leucine, which is neutral and non-polar, at codon 716 of the POLG protein (p.Pro716Leu). This variant is not present in population databases (gnomAD no frequency). This variant has not been reported in the literature in individuals affected with POLG-related conditions. Advanced modeling of protein sequence and biophysical properties (such as structural, functional, and spatial information, amino acid conservation, physicochemical variation, residue mobility, and thermodynamic stability) performed at Invitae indicates that this missense variant is not expected to disrupt POLG protein function. In summary, the available evidence is currently insufficient to determine the role of this variant in disease. Therefore, it has been classified as a Variant of Uncertain Significance.

NM_002693.3(POLG):c.2147C>T (p.Pro716Leu)

Gene: POLG (DNA polymerase gamma, catalytic subunit; minus strand). Cytogenetic location: 15q26.1.
Variant type: single nucleotide variant.
Coding change: c.2147C>T on transcript NM_002693.3 (MANE Select); coding-DNA position 2147, C replaced by T.
Protein change: p.Pro716Leu; replaces proline 716 with leucine.
Molecular consequence: missense variant.
Genome position (GRCh38, 1-based): chr15:89,323,825, G>A on the plus strand (C>T on the coding strand, the complement: POLG is on the minus strand). VCF-style: chr15-89323825-G-A. GRCh37 (hg19) VCF-style: chr15-89867056-G-A.
Other names: c.2147C>T, p.Pro716Leu (NM_001126131.2); short protein forms P716L.
Identifiers: ClinVar variation 1717930 (VCV001717930.6), dbSNP rs2055433052, ClinGen allele CA393757044.